The following is an entry in ClinVar:

NC_000006.11:g.(?_139226201)_(139228757_?)dup

Gene: REPS1 (RALBP1 associated Eps domain containing 1; minus strand). Cytogenetic location: 6q24.1.
Variant type: Duplication.
Identifiers: ClinVar variation 1373862 (VCV001373862.5).

ClinVar aggregate classification (germline): Uncertain significance (1 of 4 stars; one submission).

Submission:

Labcorp Genetics (formerly Invitae), Labcorp
Classification: Uncertain significance. Last evaluated: 2022-08-31. Review status: criteria provided, single submitter. Criteria: Invitae Variant Classification Sherloc (09022015). Collection method: clinical testing. Allele origin: germline.
Comment: In summary, the available evidence is currently insufficient to determine the role of this variant in disease. Therefore, it has been classified as a Variant of Uncertain Significance. This variant has not been reported in the literature in individuals affected with REPS1-related conditions. This variant results in a copy number gain of the genomic region encompassing exon(s) 19-20 of the REPS1 gene. This region includes the termination codon of the gene. This copy number gain extends beyond the assayed region for this gene and therefore may encompass additional genes. As the precise location of this event is unknown, it may be in tandem or it may be located elsewhere in the genome.